The following is an entry in ClinVar:

NM_176824.3(BBS7):c.1786G>A (p.Glu596Lys)

Gene: BBS7 (Bardet-Biedl syndrome 7; minus strand). Cytogenetic location: 4q27.
Variant type: single nucleotide variant.
Coding change: c.1786G>A on transcript NM_176824.3 (MANE Select); coding-DNA position 1786, G replaced by A.
Protein change: p.Glu596Lys; replaces glutamic acid 596 with lysine.
Molecular consequence: missense variant.
Genome position (GRCh38, 1-based): chr4:121,828,619, C>T on the plus strand (G>A on the coding strand, the complement: BBS7 is on the minus strand). VCF-style: chr4-121828619-C-T. GRCh37 (hg19) VCF-style: chr4-122749774-C-T.
Other names: c.1786G>A, p.Glu596Lys (NM_018190.4); short protein forms E596K.
Identifiers: ClinVar variation 812228 (VCV000812228.46), dbSNP rs1233058112, ClinGen allele CA358055512.

ClinVar aggregate classification (germline): Conflicting classifications of pathogenicity. Review status: criteria provided, conflicting classifications (1 of 4 stars). 6 submissions from 6 submitters: Pathogenic (1); Uncertain significance (4). 1 of the submissions does not count toward it. Last evaluated 2026-02-18.

Conditions:
BBS7-related disorder. Also called: BBS7-related condition.
Bardet-Biedl syndrome 7 (BBS7). Identifiers: Orphanet 110, MedGen C1859565, MONDO:0014435, OMIM 615984.
Bardet-Biedl syndrome (BBS). Identifiers: Orphanet 110, MedGen C0752166, MONDO:0015229.

Allele frequency attached by ClinVar (database versions not stated): gnomAD exomes below 0.00001 and 0.00001; TOPMed below 0.00001.
gnomAD v4.1: 3 of 1,580,372 alleles (0.00019%); highest among the groups gnomAD compares: East Asian, 0.0022%; no homozygotes.

Submissions (6):

PreventionGenetics, part of Exact Sciences
Classification: Uncertain significance for BBS7-related condition. Last evaluated: 2026-02-18. Review status: criteria provided, single submitter. Criteria: ACMG Guidelines, 2015. Collection method: clinical testing. Allele origin: germline.
Comment: The BBS7 c.1786G>A variant is predicted to result in the amino acid substitution p.Glu596Lys. This variant has been reported in the homozygous state in two relatives of Israel Arab ethnicity with Bardet-Biedl syndrome (Harville et al. 2010. PubMed ID: 19797195). This variant was also identified in a genetic analysis of inherited retinal disease in an Israeli cohort; however, specific information on the phenotype and zygosity of the variant were not noted (Supplementary Table S2, Sharon et al. 2019. PubMed ID: 31456290). This variant is reported in 0.0054% of alleles in individuals of East Asian descent in gnomAD and is interpreted as uncertain in ClinVar (Variation ID: 812228). Although we suspect that this variant may be pathogenic, at this time, the clinical significance of this variant is uncertain due to the absence of conclusive functional and genetic evidence.

Labcorp Genetics (formerly Invitae), Labcorp
Classification: Uncertain significance for Bardet-Biedl syndrome. Last evaluated: 2025-05-23. Review status: criteria provided, single submitter. Criteria: Invitae Variant Classification Sherloc (09022015). Collection method: clinical testing. Allele origin: germline.
Comment: This sequence change affects codon 596 of the BBS7 mRNA. It is a 'silent' change, meaning that it does not change the encoded amino acid sequence of the BBS7 protein. This variant also falls at the last nucleotide of exon 16, which is part of the consensus splice site for this exon. This variant is present in population databases (no rsID available, gnomAD 0.006%). This variant has been observed in individuals with clinical features of Bardet-Biedl syndrome (PMID: 19797195, 31456290; internal data). ClinVar contains an entry for this variant (Variation ID: 812228). An algorithm developed to predict the effect of missense changes on protein structure and function (PolyPhen-2) suggests that this variant is likely to be tolerated. Variants that disrupt the consensus splice site are a relatively common cause of aberrant splicing (PMID: 17576681, 9536098). Algorithms developed to predict the effect of sequence changes on RNA splicing suggest that this variant may disrupt the consensus splice site. In summary, the available evidence is currently insufficient to determine the role of this variant in disease. Therefore, it has been classified as a Variant of Uncertain Significance.

Genomic Medicine Center of Excellence, King Faisal Specialist Hospital and Research Centre
Classification: Uncertain significance for Bardet-Biedl syndrome 7. Last evaluated: 2024-03-26. Review status: criteria provided, single submitter. Criteria: ACMG Guidelines, 2015. Collection method: clinical testing. Allele origin: germline.

CeGaT Center for Human Genetics Tuebingen
Classification: Uncertain significance. Last evaluated: 2019-12-01. Review status: criteria provided, single submitter. Criteria: CeGaT Center For Human Genetics Tuebingen Variant Classification Criteria Version 2. Collection method: clinical testing. Allele origin: germline. Affected: yes. Observed: 1 variant allele.

Blueprint Genetics
Classification: Pathogenic for BBS7-related disorders. Last evaluated: 2018-08-31. Review status: criteria provided, single submitter. Criteria: ACMG Guidelines, 2015. Collection method: clinical testing. Allele origin: germline. Affected: yes. Observed: 2 variant alleles.

Sharon lab, Hadassah-Hebrew University Medical Center
Classification: Likely pathogenic for Bardet-Biedl syndrome. Last evaluated: 2019-06-23. Review status: no assertion criteria provided. Collection method: research. Allele origin: inherited. Affected: yes. Not counted in ClinVar's aggregate classification.

Literature cited by the submitters: PubMed 19797195 (cited by Labcorp Genetics (formerly Invitae), Labcorp); PubMed 31456290 (cited by Labcorp Genetics (formerly Invitae), Labcorp); PubMed 17576681 (cited by Labcorp Genetics (formerly Invitae), Labcorp); PubMed 9536098 (cited by Labcorp Genetics (formerly Invitae), Labcorp).